The following is an entry in ClinVar:

NM_006420.3(ARFGEF2):c.277-59C>T

Gene: ARFGEF2 (ARF guanine nucleotide exchange factor 2; plus strand). Cytogenetic location: 20q13.13.
Variant type: single nucleotide variant.
Coding change: c.277-59C>T on transcript NM_006420.3 (MANE Select); 59 bases into the intron before coding-DNA position 277, C replaced by T.
Molecular consequence: intron variant.
Genome position (GRCh38, 1-based): chr20:48,951,264, C>T. VCF-style: chr20-48951264-C-T. GRCh37 (hg19) VCF-style: chr20-47567801-C-T.
Identifiers: ClinVar variation 670369 (VCV000670369.2), dbSNP rs73113981, ClinGen allele CA14854060.

ClinVar aggregate classification (germline): Benign. Review status: criteria provided, multiple submitters, no conflicts (2 of 4 stars). 2 submissions from 2 submitters: Benign (2). Last evaluated 2018-06-14.

Allele frequency attached by ClinVar (database versions not stated): gnomAD 0.04512 and 0.04804; TOPMed 0.04565; 1000 Genomes Project 30x 0.05091; 1000 Genomes Project 0.05451; gnomAD exomes 0.06134.

Submissions (2):

GeneDx
Classification: Benign. Last evaluated: 2018-06-14. Review status: criteria provided, single submitter. Criteria: GeneDx Variant Classification (06012015). Collection method: clinical testing. Allele origin: germline. Affected: yes.
Comment: This variant is considered likely benign or benign based on one or more of the following criteria: it is a conservative change, it occurs at a poorly conserved position in the protein, it is predicted to be benign by multiple in silico algorithms, and/or has population frequency not consistent with disease.

Breakthrough Genomics
Classification: Benign. Review status: criteria provided, single submitter. Criteria: ACMG Guidelines, 2015. Collection method: not provided. Allele origin: germline. Inheritance: Autosomal recessive inheritance. Affected: yes.